The following is an entry in ClinVar:

ClinVar aggregate classification (germline): Benign (1 of 4 stars; one submission).

Allele frequency attached by ClinVar (database versions not stated): 1000 Genomes Project 0.00040; 1000 Genomes Project 30x 0.00047; TOPMed 0.00116; gnomAD 0.00127.

Submission:

CeGaT Center for Human Genetics Tuebingen
Classification: Benign. Last evaluated: 2022-08-01. Review status: criteria provided, single submitter. Criteria: CeGaT Center For Human Genetics Tuebingen Variant Classification Criteria Version 2. Collection method: clinical testing. Allele origin: germline. Affected: yes. Observed: 1 variant allele.
Comment: KRAS: BS1, BS2

NC_000012.12:g.25251295C>G

Genes: KRAS (KRas proto-oncogene, GTPase; minus strand), LOC130007561 (ATAC-STARR-seq lymphoblastoid silent region 4294; plus strand). Cytogenetic location: 12p12.1.
Variant type: single nucleotide variant.
Genome position: GRCh38 VCF-style: chr12-25251295-C-G. GRCh37 (hg19) VCF-style: chr12-25404229-C-G.
Identifiers: ClinVar variation 2642797 (VCV002642797.24), dbSNP rs61759615, ClinGen allele CA234240374.